The following is an entry in ClinVar:

ClinVar aggregate classification (germline): Pathogenic (1 of 4 stars; one submission).

Conditions:
Duchenne muscular dystrophy (DMD). Also called: MUSCULAR DYSTROPHY, PSEUDOHYPERTROPHIC PROGRESSIVE, DUCHENNE TYPE; Duchenne Muscular Dystrophy (DMD). Identifiers: Orphanet 98896, MedGen C0013264, MONDO:0010679, OMIM 310200.

Submission:

Labcorp Genetics (formerly Invitae), Labcorp
Classification: Pathogenic for Duchenne muscular dystrophy. Last evaluated: 2019-11-12. Review status: criteria provided, single submitter. Criteria: Invitae Variant Classification Sherloc (09022015). Collection method: clinical testing. Allele origin: germline.
Comment: For these reasons, this variant has been classified as Pathogenic. Loss-of-function variants in DMD are known to be pathogenic (PMID: 16770791, 25007885). This variant, p.Ser413*, has been observed in individual(s) with Duchenne muscular dystrophy (PMID: 18583217, Invitae). In at least one individual the variant was observed to be de novo. This variant is not present in population databases (ExAC no frequency). This sequence change creates a premature translational stop signal (p.Ser413*) in the DMD gene. It is expected to result in an absent or disrupted protein product.

Literature cited by the submitters: PubMed 16770791; PubMed 25007885; PubMed 18583217.

NM_004006.3(DMD):c.1238C>A (p.Ser413Ter)

Gene: DMD (dystrophin; minus strand). Cytogenetic location: Xp21.1.
Variant type: single nucleotide variant.
Coding change: c.1238C>A on transcript NM_004006.3 (MANE Select); coding-DNA position 1238, C replaced by A.
Protein change: p.Ser413Ter; replaces serine 413 with a stop codon.
Molecular consequence: nonsense.
Genome position (GRCh38, 1-based): chrX:32,644,225, G>T on the plus strand (C>A on the coding strand, the complement: DMD is on the minus strand). VCF-style: chrX-32644225-G-T. GRCh37 (hg19) VCF-style: chrX-32662342-G-T.
Other names: c.1214C>A, p.Ser405Ter (NM_000109.4); c.1226C>A, p.Ser409Ter (NM_004009.3); c.869C>A, p.Ser290Ter (NM_004010.3); short protein forms S409*, S405*, S290*, S413*.
Identifiers: ClinVar variation 966170 (VCV000966170.10), dbSNP rs2059646164, ClinGen allele CA412661150.